The following is an entry in ClinVar:

ClinVar aggregate classification (germline): Pathogenic. Review status: criteria provided, single submitter (1 of 4 stars). 2 submissions from 2 submitters: Pathogenic (1). 1 of the submissions does not count toward it. Last evaluated 2021-05-18.

Conditions:
Sphingolipid activator protein 1 deficiency. Also called: Metachromatic leukodystrophy due to saposin B deficiency; Saposin B Deficiency; METACHROMATIC LEUKODYSTROPHY DUE TO CEREBROSIDE SULFATASE ACTIVATOR DEFICIENCY. Identifiers: Orphanet 512, MedGen C0268262, MONDO:0009590, OMIM 249900.

Submissions (2):

Labcorp Genetics (formerly Invitae), Labcorp
Classification: Pathogenic for Sphingolipid activator protein 1 deficiency. Last evaluated: 2021-05-18. Review status: criteria provided, single submitter. Criteria: Invitae Variant Classification Sherloc (09022015). Collection method: clinical testing. Allele origin: germline.
Comment: This sequence change affects an acceptor splice site in intron 5 of the PSAP gene. RNA analysis indicates that this variant induces altered splicing and likely results in a shortened protein product. This variant is not present in population databases (ExAC no frequency). For these reasons, this variant has been classified as Pathogenic. Studies have shown that disruption of this splice site is associated with partial and complete skipping of exon 6 but is expected to preserve the integrity of the reading frame (PMID: 8554069). Experimental studies have shown that this variant affects PSAP protein function (PMID: 8554069). Disruption of this splice site has been observed in individual(s) with saposin B deficiency and metachromatic leukodystrophy (PMID: 19267410, 26462614). ClinVar contains an entry for this variant (Variation ID: 13374).

OMIM
Classification: Pathogenic for METACHROMATIC LEUKODYSTROPHY DUE TO SAPOSIN B DEFICIENCY. Last evaluated: 2009-02-15. Review status: no assertion criteria provided. Collection method: literature only. Allele origin: germline. Not counted in ClinVar's aggregate classification.

Literature cited by the submitters: PubMed 8554069 (cited by Labcorp Genetics (formerly Invitae), Labcorp); PubMed 19267410 (cited by Labcorp Genetics (formerly Invitae), Labcorp); PubMed 26462614 (cited by Labcorp Genetics (formerly Invitae), Labcorp); Kuchar, L., Ledvinova, J., Hrebicek, M., Myskova, H., Dvorakova, L., Berna, L., Chrastina, P., Asfaw, B., Elleder, M., Petermoller, M., Mayrhofer, H., Staudt, M., Krageloh-Mann, I., Paton, B. C., Harzer, K. Prosaposin deficiency and saposin B deficiency (activator-deficient metachromatic leukodystrophy): report on two patients detected by analysis of urinary sphingolipids and carrying novel PSAP gene mutations. Am. J. Med. Genet. 149A: 613-621, 2009. (cited by OMIM).

NM_002778.4(PSAP):c.577-2A>G

Gene: PSAP (prosaposin; minus strand). Cytogenetic location: 10q22.1.
Variant type: single nucleotide variant.
Coding change: c.577-2A>G on transcript NM_002778.4 (MANE Select); the canonical splice acceptor site of the intron before coding-DNA position 577, A replaced by G.
Molecular consequence: splice acceptor variant.
Genome position (GRCh38, 1-based): chr10:71,828,159, T>C on the plus strand (A>G on the coding strand, the complement: PSAP is on the minus strand). VCF-style: chr10-71828159-T-C. GRCh37 (hg19) VCF-style: chr10-73587916-T-C.
Other names: IVS5AS, A-G, -2; c.577-2A>G (NM_001042466.3, NM_001042465.3).
Identifiers: ClinVar variation 13374 (VCV000013374.11), dbSNP rs1589451050, ClinGen allele CA377151654.
Genomic context (GRCh38, chr10:71,828,159, plus strand): 5'-ACAGCAGTCTGGATGTCAGTCACCATCTGAATGCAGTCCTGGCAAACGTCCCCATTATCC[T>C]ACAGAAGAGGCAGTTAGGTTTGCAACTTAAGAGGACTCAAATTCCTAGGAAAACGTCCTT-3'